The following is an entry in ClinVar:

ClinVar aggregate classification (germline): Uncertain significance. Review status: criteria provided, multiple submitters, no conflicts (2 of 4 stars). 2 submissions from 2 submitters: Uncertain significance (2). Last evaluated 2025-01-20.

Conditions:
Inborn genetic diseases. Identifiers: MedGen C0950123, MeSH D030342.

Allele frequency attached by ClinVar (database versions not stated): ExAC 0.00001; TOPMed 0.00001.
gnomAD v4.1: 4 of 1,612,784 alleles (0.00025%); highest among the groups gnomAD compares: Middle Eastern, 0.033%; no homozygotes.

Submissions (2):

Labcorp Genetics (formerly Invitae), Labcorp
Classification: Uncertain significance. Last evaluated: 2025-01-20. Review status: criteria provided, single submitter. Criteria: Invitae Variant Classification Sherloc (09022015). Collection method: clinical testing. Allele origin: germline.
Comment: This sequence change replaces serine, which is neutral and polar, with proline, which is neutral and non-polar, at codon 211 of the CDT1 protein (p.Ser211Pro). This variant is present in population databases (rs746736930, gnomAD no frequency). This variant has not been reported in the literature in individuals affected with CDT1-related conditions. ClinVar contains an entry for this variant (Variation ID: 2975235). An algorithm developed to predict the effect of missense changes on protein structure and function (PolyPhen-2) suggests that this variant is likely to be disruptive. In summary, the available evidence is currently insufficient to determine the role of this variant in disease. Therefore, it has been classified as a Variant of Uncertain Significance.

Ambry Genetics
Classification: Uncertain significance for Inborn genetic diseases. Last evaluated: 2024-10-29. Review status: criteria provided, single submitter. Criteria: Ambry Variant Classification Scheme 2023. Collection method: clinical testing. Allele origin: germline.

NM_030928.4(CDT1):c.631T>C (p.Ser211Pro)

Gene: CDT1 (chromatin licensing and DNA replication factor 1; plus strand). Cytogenetic location: 16q24.3.
Variant type: single nucleotide variant.
Coding change: c.631T>C on transcript NM_030928.4 (MANE Select); coding-DNA position 631, T replaced by C.
Protein change: p.Ser211Pro; replaces serine 211 with proline.
Molecular consequence: missense variant.
Genome position (GRCh38, 1-based): chr16:88,805,582, T>C. VCF-style: chr16-88805582-T-C. GRCh37 (hg19) VCF-style: chr16-88871990-T-C.
Other names: c.631T>C (NM_030928.3); short protein forms S211P.
Identifiers: ClinVar variation 2975235 (VCV002975235.4), dbSNP rs746736930, ClinGen allele CA8233732.